The following is an entry in ClinVar:

NM_000540.3(RYR1):c.15089G>T (p.Arg5030Leu)

Gene: RYR1 (ryanodine receptor 1; plus strand). Cytogenetic location: 19q13.2.
Variant type: single nucleotide variant.
Coding change: c.15089G>T on transcript NM_000540.3 (MANE Select); coding-DNA position 15089, G replaced by T.
Protein change: p.Arg5030Leu; replaces arginine 5030 with leucine.
Molecular consequence: missense variant.
Genome position (GRCh38, 1-based): chr19:38,587,392, G>T. VCF-style: chr19-38587392-G-T. GRCh37 (hg19) VCF-style: chr19-39078032-G-T.
Other names: c.15074G>T, p.Arg5025Leu (NM_001042723.2); short protein forms R5025L, R5030L.
Identifiers: ClinVar variation 3071218 (VCV003071218.1), dbSNP rs747155223, ClinGen allele CA405694461.
Genomic context (GRCh38, chr19:38,587,392, plus strand): 5'-ATGTCTGGAAGATGTACCAAGAGAGATGTTGGGATTTCTTCCCAGCTGGTGATTGTTTCC[G>T]TAAGCAGTATGAGGACCAGCTTAGCTGACACACCCCCAGCTGGCCCTCCACCCCCACCTC-3'
Protein context (NP_000531.2, residues 5020-5038): WDFFPAGDCF[Arg5030Leu]KQYEDQLS

ClinVar aggregate classification (germline): Uncertain significance (1 of 4 stars; one submission).

Conditions:
Malignant hyperthermia, susceptibility to, 1 (MHS1). Also called: Anesthesia related hyperthermia; Malignant hyperpyrexia; Fulminating hyperpyrexia; Pharmacogenic myopathy; RYR1-Related Malignant Hyperthermia Susceptibility; Malignant hyperthermia suceptibility 1. Identifiers: Orphanet 423, MedGen C2930980, MONDO:0007783, OMIM 145600.

Submission:

All of Us Research Program, National Institutes of Health
Classification: Uncertain significance for Malignant hyperthermia, susceptibility to, 1. Last evaluated: 2023-05-16. Review status: criteria provided, single submitter. Criteria: ACMG Guidelines, 2015. Collection method: clinical testing. Allele origin: germline. Inheritance: Autosomal dominant inheritance. Observed: 1 variant allele, 1 heterozygote.
Comment: This missense variant replaces arginine with leucine at codon 5030 of the RYR1 protein. Computational prediction suggests that this variant may have deleterious impact on protein structure and function (internally defined REVEL score threshold >= 0.7, PMID: 27666373). To our knowledge, functional studies have not been reported for this variant. This variant has not been reported in individuals affected with RYR1-related disorders in the literature. This variant has not been identified in the general population by the Genome Aggregation Database (gnomAD). The available evidence is insufficient to determine the role of this variant in disease conclusively. Therefore, this variant is classified as a Variant of Uncertain Significance.

This study involves interpretation of variants in research participants for the purpose of population health screening. Participant phenotype was not available at the time of variant classification. Additional details can be found in publication PMID: 35346344, PMCID: PMC8962531